The following is an entry in ClinVar:

NM_052947.4(ALPK2):c.6413A>G (p.Gln2138Arg)

Gene: ALPK2 (alpha kinase 2; minus strand). Cytogenetic location: 18q21.31.
Variant type: single nucleotide variant.
Coding change: c.6413A>G on transcript NM_052947.4 (MANE Select); coding-DNA position 6413, A replaced by G.
Protein change: p.Gln2138Arg; replaces glutamine 2138 with arginine.
Molecular consequence: missense variant.
Genome position (GRCh38, 1-based): chr18:58,481,923, T>C on the plus strand (A>G on the coding strand, the complement: ALPK2 is on the minus strand). VCF-style: chr18-58481923-T-C. GRCh37 (hg19) VCF-style: chr18-56149155-T-C.
Other names: short protein forms Q2138R.
Identifiers: ClinVar variation 1753399 (VCV001753399.2), dbSNP rs2518842654, ClinGen allele CA402538542.

ClinVar aggregate classification (germline): Uncertain significance (1 of 4 stars; one submission).

Submission:

Ambry Genetics
Classification: Uncertain significance. Last evaluated: 2022-04-09. Review status: criteria provided, single submitter. Criteria: Ambry Variant Classification Scheme 2023. Collection method: clinical testing. Allele origin: germline.
Comment: The p.Q2138R variant (also known as c.6413A>G), located in coding exon 12 of the ALPK2 gene, results from an A to G substitution at nucleotide position 6413. The glutamine at codon 2138 is replaced by arginine, an amino acid with highly similar properties. This amino acid position is conserved. In addition, this alteration is predicted to be tolerated by in silico analysis. Since supporting evidence is limited at this time, the clinical significance of this alteration remains unclear.